The following is an entry in ClinVar:

NM_001768.7(CD8A):c.449C>T (p.Pro150Leu)

Gene: CD8A (CD8 subunit alpha; minus strand). Cytogenetic location: 2p11.2.
Variant type: single nucleotide variant.
Coding change: c.449C>T on transcript NM_001768.7 (MANE Select); coding-DNA position 449, C replaced by T.
Protein change: p.Pro150Leu; replaces proline 150 with leucine.
Molecular consequence: missense variant. On other transcripts: non-coding transcript variant (3).
Genome position (GRCh38, 1-based): chr2:86,789,705, G>A on the plus strand (C>T on the coding strand, the complement: CD8A is on the minus strand). VCF-style: chr2-86789705-G-A. GRCh37 (hg19) VCF-style: chr2-87016828-G-A.
Other names: c.449C>T, p.Pro150Leu (NM_001145873.1, NM_001382698.1, NM_171827.4); short protein forms P150L.
Identifiers: ClinVar variation 1522852 (VCV001522852.8), dbSNP rs890590451, ClinGen allele CA51407287.

ClinVar aggregate classification (germline): Uncertain significance (1 of 4 stars; one submission).

Conditions:
Susceptibility to respiratory infections associated with CD8alpha chain mutation (IMD116). Also called: Cd8 deficiency, familial; IMMUNODEFICIENCY 116. Identifiers: Orphanet 169085, MedGen C1837065, MONDO:0012161, OMIM 608957.

Allele frequency attached by ClinVar (database versions not stated): gnomAD 0.00001; gnomAD exomes 0.00002; TOPMed 0.00004.
gnomAD v4.1: 32 of 1,393,798 alleles (0.0023%); highest among the groups gnomAD compares: Non-Finnish European, 0.0028%; no homozygotes.

Submission:

Labcorp Genetics (formerly Invitae), Labcorp
Classification: Uncertain significance for Susceptibility to respiratory infections associated with CD8alpha chain mutation. Last evaluated: 2022-06-20. Review status: criteria provided, single submitter. Criteria: Invitae Variant Classification Sherloc (09022015). Collection method: clinical testing. Allele origin: germline.
Comment: In summary, the available evidence is currently insufficient to determine the role of this variant in disease. Therefore, it has been classified as a Variant of Uncertain Significance. Algorithms developed to predict the effect of missense changes on protein structure and function output the following: SIFT: "Deleterious"; PolyPhen-2: "Benign"; Align-GVGD: "Class C0". The leucine amino acid residue is found in multiple mammalian species, which suggests that this missense change does not adversely affect protein function. This variant has not been reported in the literature in individuals affected with CD8A-related conditions. This variant is not present in population databases (gnomAD no frequency). This sequence change replaces proline, which is neutral and non-polar, with leucine, which is neutral and non-polar, at codon 150 of the CD8A protein (p.Pro150Leu).